The following is an entry in ClinVar:

NM_004991.4(MECOM):c.1399G>C (p.Ala467Pro)

Gene: MECOM (MDS1 and EVI1 complex locus; minus strand). Cytogenetic location: 3q26.2.
Variant type: single nucleotide variant.
Coding change: c.1399G>C on transcript NM_004991.4 (MANE Select); coding-DNA position 1399, G replaced by C.
Protein change: p.Ala467Pro; replaces alanine 467 with proline.
Molecular consequence: missense variant. On other transcripts: intron variant (2).
Genome position (GRCh38, 1-based): chr3:169,116,473, C>G on the plus strand (G>C on the coding strand, the complement: MECOM is on the minus strand). VCF-style: chr3-169116473-C-G. GRCh37 (hg19) VCF-style: chr3-168834261-C-G.
Other names: c.835G>C, p.Ala279Pro (NM_005241.4, NM_001105078.4, NM_001164000.2 and 4 more transcripts); c.1133-706G>C (NM_001366473.2); c.569-706G>C (NM_001366474.2); c.1030G>C, p.Ala344Pro (NM_001105077.4); c.838G>C, p.Ala280Pro (NM_001163999.2, NM_001366467.2, NM_001366468.2 and 1 more transcripts); c.1399G>C, p.Ala467Pro (NM_001366466.2); short protein forms A279P, A280P, A344P, A467P.
Identifiers: ClinVar variation 4859732 (VCV004859732.1).
Genomic context (GRCh38, chr3:169,116,473, plus strand): 5'-ATCCAGGAGCTGTTGGAAAGGTAAGACCAGCAGGATGCCTATTGGCGCCAAAATAGTCAG[C>G]AAGGCCCGGGTTGGCATGACTCATATTAACCATGGACGTTTTATCCATAGCTGGGGTTCC-3'
Protein context (NP_004982.2, residues 457-477): VNMSHANPGL[Ala467Pro]DYFGANRHPA

ClinVar aggregate classification (germline): Uncertain significance (1 of 4 stars; one submission).

Conditions:
Inborn genetic diseases. Identifiers: MedGen C0950123, MeSH D030342.

Submission:

Ambry Genetics
Classification: Uncertain significance for Inborn genetic diseases. Last evaluated: 2026-04-11. Review status: criteria provided, single submitter. Criteria: Ambry Variant Classification Scheme 2023. Collection method: clinical testing. Allele origin: germline.
Comment: The p.A467P variant (also known as c.1399G>C), located in coding exon 8 of the MECOM gene, results from a G to C substitution at nucleotide position 1399. The alanine at codon 467 is replaced by proline, an amino acid with highly similar properties. This amino acid position is conserved. In addition, this alteration is predicted to be tolerated by in silico analysis. Based on the available evidence, the clinical significance of this variant remains unclear.